The following is an entry in ClinVar:

NM_004560.4(ROR2):c.1300G>C (p.Ala434Pro)

Gene: ROR2 (receptor tyrosine kinase like orphan receptor 2; minus strand). Cytogenetic location: 9q22.31.
Variant type: single nucleotide variant.
Coding change: c.1300G>C on transcript NM_004560.4 (MANE Select); coding-DNA position 1300, G replaced by C.
Protein change: p.Ala434Pro; replaces alanine 434 with proline.
Molecular consequence: missense variant.
Genome position (GRCh38, 1-based): chr9:91,726,627, C>G on the plus strand (G>C on the coding strand, the complement: ROR2 is on the minus strand). VCF-style: chr9-91726627-C-G. GRCh37 (hg19) VCF-style: chr9-94488909-C-G.
Other names: c.1266G>C, p.Arg422Ser (NM_001318204.2); short protein forms R422S, A434P.
Identifiers: ClinVar variation 2732257 (VCV002732257.3), dbSNP rs144447132, ClinGen allele CA5120735.

ClinVar aggregate classification (germline): Uncertain significance (1 of 4 stars; one submission).

Allele frequency attached by ClinVar (database versions not stated): ESP Exome Variant Server 0.00008.
gnomAD v4.1: 103 of 1,613,900 alleles (0.0064%); highest among the groups gnomAD compares: Non-Finnish European, 0.0078%; no homozygotes.

Submission:

Labcorp Genetics (formerly Invitae), Labcorp
Classification: Uncertain significance. Last evaluated: 2024-09-08. Review status: criteria provided, single submitter. Criteria: Invitae Variant Classification Sherloc (09022015). Collection method: clinical testing. Allele origin: germline.
Comment: This sequence change replaces alanine, which is neutral and non-polar, with proline, which is neutral and non-polar, at codon 434 of the ROR2 protein (p.Ala434Pro). This variant is present in population databases (rs144447132, gnomAD 0.009%). This variant has not been reported in the literature in individuals affected with ROR2-related conditions. Invitae Evidence Modeling of protein sequence and biophysical properties (such as structural, functional, and spatial information, amino acid conservation, physicochemical variation, residue mobility, and thermodynamic stability) indicates that this missense variant is not expected to disrupt ROR2 protein function with a negative predictive value of 95%. In summary, the available evidence is currently insufficient to determine the role of this variant in disease. Therefore, it has been classified as a Variant of Uncertain Significance.